The following is an entry in ClinVar:

ClinVar aggregate classification (germline): Uncertain significance (1 of 4 stars; one submission).

Submission:

Clinical Genomics Laboratory, Laboratory for Precision Diagnostics, University of Washington
Classification: Uncertain significance. Last evaluated: 2023-07-28. Review status: criteria provided, single submitter. Criteria: ACMG/ClinGen CNV Guidelines, 2019. Collection method: clinical testing. Allele origin: unknown. Affected: yes. Observed: 1 variant allele.
Comment: This interstitial duplication is approximately 410 kb in size and fully encompasses four protein-coding genes: COL6A3, MLPH, PRLH, and RAB17. None of these genes are known to cause medical problems in humans when an extra copy is present (triplosensitivity), and this is not a known triplosensitive genomic region. It affects 4 protein-coding elements but doesn't overlap any known dosage sensitive genes or regions. A review of public databases (ClinVar, DECIPHER) and the medical literature shows no informative patients with a similar duplication. A similar duplication appears in healthy controls in the Database of Genomic Variants (DGV) but not in gnomAD.

GRCh38/hg38 2q37.3(chr2:237205400-237615624)x3

Genes: COL6A3 (collagen type VI alpha 3 chain; minus strand), MIR6811 (microRNA 6811; plus strand), MLPH (melanophilin; plus strand), PRLH (prolactin releasing hormone; plus strand), RAB17 (RAB17, member RAS oncogene family; minus strand) and 11 more. Cytogenetic location: 2q37.3.
Variant type: copy number gain.
Change: copy number 3 (three copies instead of two) of chr2:237,205,400-237,615,624 (410.2 kb, GRCh38 coordinates, 1-based), cytogenetic band 2q37.3.
Identifiers: ClinVar variation 4890984 (VCV004890984.1).